The following is an entry in ClinVar:

ClinVar aggregate classification (germline): Conflicting classifications of pathogenicity. Review status: criteria provided, conflicting classifications (1 of 4 stars). 5 submissions from 3 submitters: Likely risk allele (1); Benign (4). Last evaluated 2021-05-12.

Conditions:
Diabetes mellitus, transient neonatal, 3 (TNDM3). Identifiers: Orphanet 99886, MedGen C1864623, MONDO:0012522, OMIM 610582. Disease mechanism: loss of function.
Hyperinsulinemic hypoglycemia, familial, 2. Also called: HYPERINSULINEMIC HYPOGLYCEMIA, PERSISTENT; HYPERINSULINISM, NEONATAL. Identifiers: Orphanet 276580, Orphanet 276603, MedGen C2931833, MONDO:0011153, OMIM 601820. Disease mechanism: loss of function.
Maturity-onset diabetes of the young type 13. Also called: MODY, TYPE 13. Identifiers: Orphanet 552, MedGen C4225365, MONDO:0014589, OMIM 616329.
Type 2 diabetes mellitus. Also called: Type II diabetes mellitus. Identifiers: MedGen C0011860, MeSH D003924, MONDO:0005148, OMIM 125853, HP:0005978.

Allele frequency attached by ClinVar (database versions not stated): gnomAD exomes 0.33669; gnomAD 0.43546 and 0.43747; TOPMed 0.43620; 1000 Genomes Project 30x 0.46440; 1000 Genomes Project 0.46885.

Submissions (5):

GeneDx
Classification: Benign. Last evaluated: 2021-05-12. Review status: criteria provided, single submitter. Criteria: GeneDx Variant Classification Process June 2021. Collection method: clinical testing. Allele origin: germline. Affected: yes.

Illumina Laboratory Services, Illumina
Classification: Benign for Diabetes mellitus, transient neonatal, 3. Last evaluated: 2018-01-12. Review status: criteria provided, single submitter. Criteria: ICSL Variant Classification Criteria 13 December 2019. Collection method: clinical testing. Allele origin: germline.
Comment: This variant was observed in the ICSL laboratory as part of a predisposition screen in an ostensibly healthy population. It had not been previously curated by ICSL or reported in the Human Gene Mutation Database (HGMD: prior to June 1st, 2018), and was therefore a candidate for classification through an automated scoring system. Utilizing variant allele frequency, disease prevalence and penetrance estimates, and inheritance mode, an automated score was calculated to assess if this variant is too frequent to cause the disease. Based on the score and internal cut-off values, a variant classified as benign is not then subjected to further curation. The score for this variant resulted in a classification of benign for this disease.

Illumina Laboratory Services, Illumina
Classification: Benign for Maturity-onset diabetes of the young type 13. Last evaluated: 2018-01-12. Review status: criteria provided, single submitter. Criteria: ICSL Variant Classification Criteria 13 December 2019. Collection method: clinical testing. Allele origin: germline.
Comment: the same text as in the submission from Illumina Laboratory Services, Illumina above.

Illumina Laboratory Services, Illumina
Classification: Benign for Hyperinsulinemic hypoglycemia, familial, 2. Last evaluated: 2018-01-12. Review status: criteria provided, single submitter. Criteria: ICSL Variant Classification Criteria 13 December 2019. Collection method: clinical testing. Allele origin: germline.
Comment: the same text as in the submission from Illumina Laboratory Services, Illumina above.

Clinical Genomics, Uppaluri K&H Personalized Medicine Clinic
Classification: Likely risk allele for Type 2 diabetes mellitus. Review status: criteria provided, single submitter. Criteria: K & H Uppaluri Personalized Medicine Clinic Variant Classification & Assertion Criteria_Updated V.1. Collection method: research. Allele origin: somatic. Inheritance: Autosomal dominant inheritance. Affected: yes.
Comment: Mutations in KCNJ11 gene can cause decreased production and secretion of insulin. This can lead to MODY which may be responsive to oral sulfonylureas.This particular variant (rs2285676) is also associated with increased predisposition to Type II Diabetes Mellitus and its related cardiovascular phenotypes like acute coronary syndrome, stroke. heart failure.

Literature cited by the submitters: PubMed 35402560 (cited by Clinical Genomics, Uppaluri K&H Personalized Medicine Clinic).

NM_000525.4(KCNJ11):c.*441T>C

Gene: KCNJ11 (potassium inwardly rectifying channel subfamily J member 11; minus strand). Cytogenetic location: 11p15.1.
Variant type: single nucleotide variant.
Coding change: c.*441T>C on transcript NM_000525.4 (MANE Select); 441 bases downstream of the stop codon, T replaced by C.
Molecular consequence: 3 prime UTR variant.
Genome position (GRCh38, 1-based): chr11:17,386,478, A>G on the plus strand (T>C on the coding strand, the complement: KCNJ11 is on the minus strand). VCF-style: chr11-17386478-A-G. GRCh37 (hg19) VCF-style: chr11-17408025-A-G.
Other names: c.*441T>C (NM_001166290.2, NM_001377296.1, NM_001377297.1).
Identifiers: ClinVar variation 303722 (VCV000303722.9), dbSNP rs2285676, ClinGen allele CA10638585.
Genomic context (GRCh38, chr11:17,386,478, plus strand): 5'-CAGCGGGAACACCCTCTCTCATCAACTGCCCTCCCTGCTGGCCAGGCCCAGCCCTTAGCC[A>G]GGTGCTTTTTCAGGGACCAAGTAGAGCTGGGGCCTGACCACAGGCACTTCTTGGAGCCAC-3'